The following is an entry in ClinVar:

NM_003060.4(SLC22A5):c.652+270A>G

Gene: SLC22A5 (solute carrier family 22 member 5; plus strand). Cytogenetic location: 5q31.1.
Variant type: single nucleotide variant.
Coding change: c.652+270A>G on transcript NM_003060.4 (MANE Select); 270 bases into the intron after coding-DNA position 652, A replaced by G.
Molecular consequence: intron variant.
Genome position (GRCh38, 1-based): chr5:132,384,571, A>G. VCF-style: chr5-132384571-A-G. GRCh37 (hg19) VCF-style: chr5-131720263-A-G.
Other names: c.724+270A>G (NM_001308122.2).
Identifiers: ClinVar variation 667490 (VCV000667490.1), dbSNP rs635620, ClinGen allele CA12075124.
Genomic context (GRCh38, chr5:132,384,571, plus strand): 5'-ACTTCTGATTTCCAGTTCTTTTCTGGCCTCTGGGCTGTGGCTCCTTGGTCTTAGTACTTG[A>G]TGGTCAATTTACTAGGACTCACCAGAGATCCTCCATTTACAAAAAGGGCCTGCCACTGCA-3'

ClinVar aggregate classification (germline): Benign (1 of 4 stars; one submission).

Allele frequency attached by ClinVar (database versions not stated): TOPMed 0.26316; gnomAD 0.27334 and 0.28609; 1000 Genomes Project 30x 0.31574; 1000 Genomes Project 0.32248.
gnomAD v4.1: 43,263 of 151,720 alleles (29%); highest among the groups gnomAD compares: South Asian, 56%; 6,817 homozygotes.

Submission:

GeneDx
Classification: Benign. Last evaluated: 2018-06-14. Review status: criteria provided, single submitter. Criteria: GeneDx Variant Classification (06012015). Collection method: clinical testing. Allele origin: germline. Affected: yes.
Comment: This variant is considered likely benign or benign based on one or more of the following criteria: it is a conservative change, it occurs at a poorly conserved position in the protein, it is predicted to be benign by multiple in silico algorithms, and/or has population frequency not consistent with disease.